The following is an entry in ClinVar:

NM_020461.4(TUBGCP6):c.4603C>T (p.Leu1535Phe)

Gene: TUBGCP6 (tubulin gamma complex component 6; minus strand). Cytogenetic location: 22q13.33.
Variant type: single nucleotide variant.
Coding change: c.4603C>T on transcript NM_020461.4 (MANE Select); coding-DNA position 4603, C replaced by T.
Protein change: p.Leu1535Phe; replaces leucine 1535 with phenylalanine.
Molecular consequence: missense variant.
Genome position (GRCh38, 1-based): chr22:50,219,091, G>A on the plus strand (C>T on the coding strand, the complement: TUBGCP6 is on the minus strand). VCF-style: chr22-50219091-G-A. GRCh37 (hg19) VCF-style: chr22-50657520-G-A.
Other names: c.4603C>T (NM_020461.3); short protein forms L1535F.
Identifiers: ClinVar variation 999428 (VCV000999428.5), dbSNP rs763089483, ClinGen allele CA10307432.
Genomic context (GRCh38, chr22:50,219,091, plus strand): 5'-CCTCTACCACTGGCCCCACCCCGTGTCCGGAGGCCACCTTCTCAAAGAGCAGGTCGCTGA[G>A]GGACTGGGCGAACTCGCCGTCCTCCATCAGCAGGAAGTGCCGCAGTGCCTCATAGTGCGC-3'
Protein context (NP_065194.3, residues 1525-1545): LMEDGEFAQS[Leu1535Phe]SDLLFEKLGA

ClinVar aggregate classification (germline): Uncertain significance. Review status: criteria provided, multiple submitters, no conflicts (2 of 4 stars). 2 submissions from 2 submitters: Uncertain significance (2). Last evaluated 2024-07-27.

Conditions:
Inborn genetic diseases. Identifiers: MedGen C0950123, MeSH D030342.

Allele frequency attached by ClinVar (database versions not stated): gnomAD exomes 0.00002; ExAC 0.00003; TOPMed 0.00006.
gnomAD v4.1: 61 of 1,612,636 alleles (0.0038%); highest among the groups gnomAD compares: Non-Finnish European, 0.0049%; no homozygotes.

Submissions (2):

Ambry Genetics
Classification: Uncertain significance for Inborn genetic diseases. Last evaluated: 2024-07-27. Review status: criteria provided, single submitter. Criteria: Ambry Variant Classification Scheme 2023. Collection method: clinical testing. Allele origin: germline.

Labcorp Genetics (formerly Invitae), Labcorp
Classification: Uncertain significance. Last evaluated: 2022-10-17. Review status: criteria provided, single submitter. Criteria: Invitae Variant Classification Sherloc (09022015). Collection method: clinical testing. Allele origin: germline.
Comment: This sequence change replaces leucine, which is neutral and non-polar, with phenylalanine, which is neutral and non-polar, at codon 1535 of the TUBGCP6 protein (p.Leu1535Phe). This variant is present in population databases (rs763089483, gnomAD 0.004%). This variant has not been reported in the literature in individuals affected with TUBGCP6-related conditions. ClinVar contains an entry for this variant (Variation ID: 999428). Algorithms developed to predict the effect of missense changes on protein structure and function are either unavailable or do not agree on the potential impact of this missense change (SIFT: "Deleterious"; PolyPhen-2: "Probably Damaging"; Align-GVGD: "Class C0"). In summary, the available evidence is currently insufficient to determine the role of this variant in disease. Therefore, it has been classified as a Variant of Uncertain Significance.